The following is an entry in ClinVar:

NM_000088.4(COL1A1):c.3247G>A (p.Ala1083Thr)

Gene: COL1A1 (collagen type I alpha 1 chain; minus strand). Cytogenetic location: 17q21.33.
Variant type: single nucleotide variant.
Coding change: c.3247G>A on transcript NM_000088.4 (MANE Select); coding-DNA position 3247, G replaced by A.
Protein change: p.Ala1083Thr; replaces alanine 1083 with threonine.
Molecular consequence: missense variant.
Genome position (GRCh38, 1-based): chr17:50,188,110, C>T on the plus strand (G>A on the coding strand, the complement: COL1A1 is on the minus strand). VCF-style: chr17-50188110-C-T. GRCh37 (hg19) VCF-style: chr17-48265471-C-T.
Other names: p.Ala1083Thr; short protein forms A1083T.
Identifiers: ClinVar variation 891900 (VCV000891900.18), dbSNP rs372029024, ClinGen allele CA8644512.
Genomic context (GRCh38, chr17:50,188,110, plus strand): 5'-CATCTGTAGAGTTCTAAAGGCATGGGGGACACAGCAGGGTACTTACGGCGGGGCCACGGG[C>T]GCCAACAGGGCCGACAGGACCGGCGGGACCAGCAGGACCCTGGGGAGAGCAAGGAAAGCA-3'
Protein context (NP_000079.2, residues 1073-1093): GPAGPVGPVG[Ala1083Thr]RGPAGPQGPR

ClinVar aggregate classification (germline): Conflicting classifications of pathogenicity. Review status: criteria provided, conflicting classifications (1 of 4 stars). 7 submissions from 5 submitters: Uncertain significance (6); Likely benign (1). Last evaluated 2025-12-09.

Conditions:
COL1A1-related disorder. Also called: COL1A1-related condition; COL1A1- related disease.
Ehlers-Danlos syndrome, arthrochalasia type. Also called: Ehlers-Danlos syndrome, arthrochalasia type, 1; ARTHROCHALASIS MULTIPLEX CONGENITA; EDS VII, MUTANT PROCOLLAGEN TYPE; EDS VIIA; Ehlers-Danlos syndrome, arthrochalasis type. Identifiers: Orphanet 1899, Orphanet 99875, Orphanet 99876, MedGen C4551623, MONDO:0007525, OMIM 130060.
Infantile cortical hyperostosis. Also called: Hyperostosis, Cortical, Congenital; Caffey Disease; P1PK BLOOD GROUP SYSTEM, P(2) PHENOTYPE. Identifiers: Orphanet 1310, MedGen C0020497, MONDO:0007244, OMIM 114000.
Osteogenesis imperfecta type I (OI1). Also called: OI, TYPE I; OSTEOGENESIS IMPERFECTA TARDA; OSTEOGENESIS IMPERFECTA WITH BLUE SCLERAE; Osteogenesis imperfecta type 1; Lobstein's Disease; Lobstein disease. Identifiers: Orphanet 216796, Orphanet 666, MedGen C0023931, MONDO:0008146, OMIM 166200. Disease mechanism: loss of function.
Osteogenesis imperfecta (OI). Identifiers: Orphanet 666, MedGen C0029434, MeSH D010013, MONDO:0019019.
Cardiovascular phenotype. Identifiers: MedGen CN230736.

Allele frequency attached by ClinVar (database versions not stated): gnomAD exomes 0.00002; gnomAD 0.00004 and 0.00006; TOPMed 0.00004; ESP Exome Variant Server 0.00008.

Submissions (7):

Ambry Genetics
Classification: Uncertain significance for Cardiovascular phenotype. Last evaluated: 2025-12-09. Review status: criteria provided, single submitter. Criteria: Ambry Variant Classification Scheme 2023. Collection method: clinical testing. Allele origin: germline.
Comment: The c.3247G>A (p.A1083T) alteration is located in exon 44 (coding exon 44) of the COL1A1 gene. This alteration results from a G to A substitution at nucleotide position 3247, causing the alanine (A) at amino acid position 1083 to be replaced by a threonine (T). Based on data from gnomAD, the A allele has an overall frequency of 0.002% (4/199946) total alleles studied. The highest observed frequency was 0.004% (1/27172) of South Asian alleles. Based on insufficient or conflicting evidence, the clinical significance of this alteration remains unclear.

Labcorp Genetics (formerly Invitae), Labcorp
Classification: Likely benign for Osteogenesis imperfecta type I. Last evaluated: 2025-12-01. Review status: criteria provided, single submitter. Criteria: Invitae Variant Classification Sherloc (09022015). Collection method: clinical testing. Allele origin: germline.

PreventionGenetics, part of Exact Sciences
Classification: Uncertain significance for COL1A1-related condition. Last evaluated: 2025-03-26. Review status: criteria provided, single submitter. Criteria: ACMG Guidelines, 2015. Collection method: clinical testing. Allele origin: germline.
Comment: The COL1A1 c.3247G>A variant is predicted to result in the amino acid substitution p.Ala1083Thr. This variant was reported along with a second potentially causative variant in an individual with glaucoma with retinal detachment (Mauri et al. 2016. PubMed ID: 27484908). This variant is reported in 0.0037% of alleles in individuals of South Asian descent in gnomAD. At this time, the clinical significance of this variant is uncertain due to the absence of conclusive functional and genetic evidence.

Mayo Clinic Laboratories, Mayo Clinic
Classification: Uncertain significance. Last evaluated: 2023-03-31. Review status: criteria provided, single submitter. Criteria: ACMG Guidelines, 2015. Collection method: clinical testing. Allele origin: germline. Observed: 1 variant allele.
Comment: BP5, PP2

Illumina Laboratory Services, Illumina
Classification: Uncertain significance for Ehlers-Danlos syndrome, arthrochalasia type. Last evaluated: 2017-04-28. Review status: criteria provided, single submitter. Criteria: ICSL Variant Classification Criteria 13 December 2019. Collection method: clinical testing. Allele origin: germline.

Illumina Laboratory Services, Illumina
Classification: Uncertain significance for Osteogenesis imperfecta. Last evaluated: 2017-04-28. Review status: criteria provided, single submitter. Criteria: ICSL Variant Classification Criteria 13 December 2019. Collection method: clinical testing. Allele origin: germline.

Illumina Laboratory Services, Illumina
Classification: Uncertain significance for Infantile cortical hyperostosis. Last evaluated: 2017-04-28. Review status: criteria provided, single submitter. Criteria: ICSL Variant Classification Criteria 13 December 2019. Collection method: clinical testing. Allele origin: germline.

Literature cited by the submitters: PubMed 27060301 (cited by Mayo Clinic Laboratories, Mayo Clinic); PubMed 27484908 (cited by Mayo Clinic Laboratories, Mayo Clinic).